The following is an entry in ClinVar:

ClinVar aggregate classification (germline): Uncertain significance. Review status: criteria provided, multiple submitters, no conflicts (2 of 4 stars). 2 submissions from 2 submitters: Uncertain significance (2). Last evaluated 2026-05-01.

Conditions:
Inborn genetic diseases. Identifiers: MedGen C0950123, MeSH D030342.

Allele frequency attached by ClinVar (database versions not stated): gnomAD exomes below 0.00001; ExAC 0.00001.
gnomAD v4.1: 1 of 1,613,402 alleles (0.000062%); highest among the groups gnomAD compares: Middle Eastern, 0.016%; no homozygotes.

Submissions (2):

CeGaT Center for Human Genetics Tuebingen
Classification: Uncertain significance. Last evaluated: 2026-05-01. Review status: criteria provided, single submitter. Criteria: CeGaT Center For Human Genetics Tuebingen Variant Classification Criteria Version 2. Collection method: clinical testing. Allele origin: germline. Affected: yes. Observed: 1 variant allele.
Comment: ADGRV1: PM2

Ambry Genetics
Classification: Uncertain significance for Inborn genetic diseases. Last evaluated: 2024-02-13. Review status: criteria provided, single submitter. Criteria: Ambry Variant Classification Scheme 2023. Collection method: clinical testing. Allele origin: germline.

NM_032119.4(ADGRV1):c.5000C>T (p.Ser1667Phe)

Gene: ADGRV1 (adhesion G protein-coupled receptor V1; plus strand). Cytogenetic location: 5q14.3.
Variant type: single nucleotide variant.
Coding change: c.5000C>T on transcript NM_032119.4 (MANE Select); coding-DNA position 5000, C replaced by T.
Protein change: p.Ser1667Phe; replaces serine 1667 with phenylalanine.
Molecular consequence: missense variant. On other transcripts: non-coding transcript variant (1).
Genome position (GRCh38, 1-based): chr5:90,674,124, C>T. VCF-style: chr5-90674124-C-T. GRCh37 (hg19) VCF-style: chr5-89969941-C-T.
Other names: short protein forms S1667F.
Identifiers: ClinVar variation 3088556 (VCV003088556.3), dbSNP rs772811429, ClinGen allele CA3339461.